The following is an entry in ClinVar:

ClinVar aggregate classification (germline): Conflicting classifications of pathogenicity. Review status: criteria provided, conflicting classifications (1 of 4 stars). 2 submissions from 2 submitters: Likely pathogenic (1); Uncertain significance (1). Last evaluated 2024-01-16.

Conditions:
MPI-congenital disorder of glycosylation. Also called: PROTEIN-LOSING ENTEROPATHY-HEPATIC FIBROSIS SYNDROME; MPI-CDG; MPI DEFICIENCY; CONGENITAL DISORDER OF GLYCOSYLATION, TYPE Ib; CDG Ib; MANNOSEPHOSPHATE ISOMERASE DEFICIENCY. Identifiers: Orphanet 79319, MedGen C1865145, MONDO:0011257, OMIM 602579.

gnomAD v4.1: 20 of 1,614,144 alleles (0.0012%); highest among the groups gnomAD compares: Non-Finnish European, 0.0015%; no homozygotes.

Submissions (2):

Baylor Genetics
Classification: Likely pathogenic for MPI-congenital disorder of glycosylation. Last evaluated: 2024-01-16. Review status: criteria provided, single submitter. Criteria: ACMG Guidelines, 2015. Collection method: clinical testing. Allele origin: unknown.

Women's Health and Genetics/Laboratory Corporation of America, LabCorp
Classification: Uncertain significance. Last evaluated: 2023-04-25. Review status: criteria provided, single submitter. Criteria: LabCorp Variant Classification Summary - May 2015. Collection method: clinical testing. Allele origin: germline.
Comment: Variant summary: MPI c.455G>A (p.Arg152Gln) results in a conservative amino acid change located in the phosphomannose isomerase type I, catalytic domain (IPR046457) of the encoded protein sequence. Four of five in-silico tools predict a damaging effect of the variant on protein function. The variant allele was found at a frequency of 2.4e-05 in 251468 control chromosomes (gnomAD). The available data on variant occurrences in the general population are insufficient to allow any conclusion about variant significance. c.455G>A has been reported in the literature as a biallelic genotype in at least three individuals affected with Congenital Disorder Of Glycosylation Type 1B (e.g. Schollen_2000, Schollen_2002, Penel-Capelle_2003, Janssen_2014). These data indicate that the variant may be associated with disease. At least one publication reports experimental evidence evaluating an impact on protein function (He_2014). When introduced into the mouse Mpi gene and expressed in a mpi-null yeast strain, the variant showed little to no damaging effect on MPI expression and activity versus WT. The following publications have been ascertained in the context of this evaluation (PMID: 24474243, 24982104, 12872847, 12357336, 10980531). No clinical diagnostic laboratories have submitted clinical-significance assessments for this variant to ClinVar after 2014. Based on the evidence outlined above, the variant was classified as VUS-possibly pathogenic.

Literature cited by the submitters: PubMed 12357336 (cited by Women's Health and Genetics/Laboratory Corporation of America, LabCorp); PubMed 24474243 (cited by Women's Health and Genetics/Laboratory Corporation of America, LabCorp); PubMed 24982104 (cited by Women's Health and Genetics/Laboratory Corporation of America, LabCorp); PubMed 12872847 (cited by Women's Health and Genetics/Laboratory Corporation of America, LabCorp); PubMed 10980531 (cited by Women's Health and Genetics/Laboratory Corporation of America, LabCorp).

NM_002435.3(MPI):c.455G>A (p.Arg152Gln)

Gene: MPI (mannose phosphate isomerase; plus strand). Cytogenetic location: 15q24.1.
Variant type: single nucleotide variant.
Coding change: c.455G>A on transcript NM_002435.3 (MANE Select); coding-DNA position 455, G replaced by A.
Protein change: p.Arg152Gln; replaces arginine 152 with glutamine.
Molecular consequence: missense variant.
Genome position (GRCh38, 1-based): chr15:74,892,770, G>A. VCF-style: chr15-74892770-G-A. GRCh37 (hg19) VCF-style: chr15-75185111-G-A.
Other names: c.455G>A, p.Arg152Gln (NM_001289155.2, NM_001289157.2); c.305G>A, p.Arg102Gln (NM_001289156.2); c.395G>A, p.Arg132Gln (NM_001330372.2); c.455G>A (NM_002435.2); short protein forms R102Q, R132Q, R152Q.
Identifiers: ClinVar variation 2503985 (VCV002503985.3), dbSNP rs766458792, ClinGen allele CA7662441.